The following is an entry in ClinVar:

ClinVar aggregate classification (germline): Uncertain significance (1 of 4 stars; one submission).

Allele frequency attached by ClinVar (database versions not stated): gnomAD 0.00002; gnomAD exomes 0.00003; TOPMed 0.00003; ExAC 0.00004.
gnomAD v4.1: 44 of 1,589,478 alleles (0.0028%); highest among the groups gnomAD compares: Middle Eastern, 0.034%; no homozygotes.

Submission:

Labcorp Genetics (formerly Invitae), Labcorp
Classification: Uncertain significance. Last evaluated: 2021-08-26. Review status: criteria provided, single submitter. Criteria: Invitae Variant Classification Sherloc (09022015). Collection method: clinical testing. Allele origin: germline.
Comment: This sequence change replaces alanine with valine at codon 186 of the NEUROG3 protein (p.Ala186Val). The alanine residue is moderately conserved and there is a small physicochemical difference between alanine and valine. This variant is present in population databases (rs760598444, ExAC 0.007%). This variant has not been reported in the literature in individuals affected with NEUROG3-related conditions. Algorithms developed to predict the effect of missense changes on protein structure and function (SIFT, PolyPhen-2, Align-GVGD) all suggest that this variant is likely to be tolerated. In summary, the available evidence is currently insufficient to determine the role of this variant in disease. Therefore, it has been classified as a Variant of Uncertain Significance.

NM_020999.4(NEUROG3):c.557C>T (p.Ala186Val)

Gene: NEUROG3 (neurogenin 3; minus strand). Cytogenetic location: 10q22.1.
Variant type: single nucleotide variant.
Coding change: c.557C>T on transcript NM_020999.4 (MANE Select); coding-DNA position 557, C replaced by T.
Protein change: p.Ala186Val; replaces alanine 186 with valine.
Molecular consequence: missense variant.
Genome position (GRCh38, 1-based): chr10:69,572,487, G>A on the plus strand (C>T on the coding strand, the complement: NEUROG3 is on the minus strand). VCF-style: chr10-69572487-G-A. GRCh37 (hg19) VCF-style: chr10-71332243-G-A.
Other names: short protein forms A186V.
Identifiers: ClinVar variation 2192657 (VCV002192657.1), dbSNP rs760598444, ClinGen allele CA5533666.
Genomic context (GRCh38, chr10:69,572,487, plus strand): 5'-CCTGGGCTCAAGCAGGCGGAAAAGGTGGCCCCCAGCAGCCCGGGTCGCTCCTCCAGCGAC[G>A]CGGCGGGACTCAGGCTGCCAGCCTGGGAGACTGGGGAGTAGAGGGACCCCCAGTCCCCGG-3'
Protein context (NP_066279.2, residues 176-196): VSQAGSLSPA[Ala186Val]SLEERPGLLG